The following is an entry in ClinVar:

ClinVar aggregate classification (germline): Pathogenic (1 of 4 stars; one submission).

Submission:

Labcorp Genetics (formerly Invitae), Labcorp
Classification: Pathogenic. Last evaluated: 2024-01-11. Review status: criteria provided, single submitter. Criteria: Invitae Variant Classification Sherloc (09022015). Collection method: clinical testing. Allele origin: germline.
Comment: This sequence change creates a premature translational stop signal (p.Asn38Lysfs*2) in the TTC37 gene. It is expected to result in an absent or disrupted protein product. Loss-of-function variants in TTC37 are known to be pathogenic (PMID: 20176027, 21120949). This variant is not present in population databases (gnomAD no frequency). This variant has not been reported in the literature in individuals affected with TTC37-related conditions. ClinVar contains an entry for this variant (Variation ID: 1456844). For these reasons, this variant has been classified as Pathogenic.

Literature cited by the submitters: PubMed 20176027; PubMed 21120949.

NM_014639.4(SKIC3):c.113dup (p.Asn38fs)

Gene: SKIC3 (SKI3 subunit of superkiller complex; minus strand). Cytogenetic location: 5q15.
Variant type: Duplication.
Coding change: c.113dup on transcript NM_014639.4 (MANE Select); coding-DNA position 113, one base duplicated (A; older notation c.113dupA).
Protein change: p.Asn38fs; shifts the reading frame from asparagine 38.
Molecular consequence: frameshift variant.
Genome position (GRCh38, 1-based): chr5:95,543,305, T duplicated on the plus strand (A on the coding strand, the reverse complement: SKIC3 is on the minus strand); the first of 5 consecutive T bases (chr5:95,543,305-95,543,309); duplicating any one gives the same sequence. VCF-style (leftmost placement, unchanged base first): chr5-95543304-A-AT. GRCh37 (hg19) VCF-style: chr5-94879008-A-AT.
Other names: short protein forms N38fs.
Identifiers: ClinVar variation 1456844 (VCV001456844.6), dbSNP rs2112376248, ClinGen allele CA2573140061.